The following is an entry in ClinVar:

NM_000256.3(MYBPC3):c.3028G>A (p.Glu1010Lys)

Gene: MYBPC3 (myosin binding protein C3; minus strand). Cytogenetic location: 11p11.2.
Variant type: single nucleotide variant.
Coding change: c.3028G>A on transcript NM_000256.3 (MANE Select); coding-DNA position 3028, G replaced by A.
Protein change: p.Glu1010Lys; replaces glutamic acid 1010 with lysine.
Molecular consequence: missense variant.
Genome position (GRCh38, 1-based): chr11:47,333,719, C>T on the plus strand (G>A on the coding strand, the complement: MYBPC3 is on the minus strand). VCF-style: chr11-47333719-C-T. GRCh37 (hg19) VCF-style: chr11-47355270-C-T.
Other names: short protein forms E1010K.
Identifiers: ClinVar variation 4709059 (VCV004709059.1).

ClinVar aggregate classification (germline): Uncertain significance (1 of 4 stars; one submission).

Conditions:
Hypertrophic cardiomyopathy. Also called: HYPERTROPHIC MYOCARDIOPATHY. Identifiers: Orphanet 217569, MedGen C0007194, MeSH D002312, MONDO:0005045, HP:0001639.

Submission:

Labcorp Genetics (formerly Invitae), Labcorp
Classification: Uncertain significance for Hypertrophic cardiomyopathy. Last evaluated: 2025-08-30. Review status: criteria provided, single submitter. Criteria: Invitae Variant Classification Sherloc (09022015). Collection method: clinical testing. Allele origin: germline.
Comment: This sequence change replaces glutamic acid, which is acidic and polar, with lysine, which is basic and polar, at codon 1010 of the MYBPC3 protein (p.Glu1010Lys). This variant is not present in population databases (gnomAD no frequency). This variant has not been reported in the literature in individuals affected with MYBPC3-related conditions. An algorithm developed to predict the effect of missense changes on protein structure and function (PolyPhen-2) suggests that this variant is likely to be tolerated. In summary, the available evidence is currently insufficient to determine the role of this variant in disease. Therefore, it has been classified as a Variant of Uncertain Significance.